The following is an entry in ClinVar:

ClinVar aggregate classification (germline): Uncertain significance (1 of 4 stars; one submission).

Conditions:
Cardiovascular phenotype. Identifiers: MedGen CN230736.

Allele frequency attached by ClinVar (database versions not stated): gnomAD exomes below 0.00001; TOPMed 0.00001; ExAC 0.00002; gnomAD 0.00003.
gnomAD v4.1: 7 of 1,614,028 alleles (0.00043%); highest among the groups gnomAD compares: African/African-American, 0.008%; no homozygotes.

Submission:

Ambry Genetics
Classification: Uncertain significance for Cardiovascular phenotype. Last evaluated: 2019-11-11. Review status: criteria provided, single submitter. Criteria: Ambry Variant Classification Scheme 2023. Collection method: clinical testing. Allele origin: germline.
Comment: The p.S1244G variant (also known as c.3730A>G), located in coding exon 31 of the ANK2 gene, results from an A to G substitution at nucleotide position 3730. The serine at codon 1244 is replaced by glycine, an amino acid with similar properties. This amino acid position is well conserved in available vertebrate species. In addition, this alteration is predicted to be tolerated by in silico analysis. Since supporting evidence is limited at this time, the clinical significance of this alteration remains unclear.

NM_001148.6(ANK2):c.3730A>G (p.Ser1244Gly)

Gene: ANK2 (ankyrin 2; plus strand). Cytogenetic location: 4q26.
Variant type: single nucleotide variant.
Coding change: c.3730A>G on transcript NM_001148.6 (MANE Select); coding-DNA position 3730, A replaced by G.
Protein change: p.Ser1244Gly; replaces serine 1244 with glycine.
Molecular consequence: missense variant.
Genome position (GRCh38, 1-based): chr4:113,336,715, A>G. VCF-style: chr4-113336715-A-G. GRCh37 (hg19) VCF-style: chr4-114257871-A-G.
Other names: c.3703A>G, p.Ser1235Gly (NM_001127493.3); c.3742A>G, p.Ser1248Gly (NM_001354225.2); c.3631A>G, p.Ser1211Gly (NM_001354228.2, NM_001354258.2); c.3709A>G, p.Ser1237Gly (NM_001354230.2); c.3772A>G, p.Ser1258Gly (NM_001354231.2, NM_001354242.2); c.3766A>G, p.Ser1256Gly (NM_001354232.2); c.3727A>G, p.Ser1243Gly (NM_001354235.2, NM_001354246.2, NM_001354265.2); c.3628A>G, p.Ser1210Gly (NM_001354236.2); and 31 more; short protein forms S1190G, S1199G, S1201G, S1223G, S1243G, S1259G, S1263G, S1283G.
Identifiers: ClinVar variation 1734392 (VCV001734392.2), dbSNP rs772423528, ClinGen allele CA3050907.
Genomic context (GRCh38, chr4:113,336,715, plus strand): 5'-CCTAGAAGAAGAAAATTCCACAAACCAATTACCATGACCATTCCTGTCCCCAAAGCTTCA[A>G]GTGATGTCATGTTGAATGGTTTTGGGGGAGATGCACCAACCTTAAGATTACTATGCAGCA-3'
Protein context (NP_001139.3, residues 1234-1254): TMTIPVPKAS[Ser1244Gly]DVMLNGFGGD